The following is an entry in ClinVar:

ClinVar aggregate classification (germline): Uncertain significance (1 of 4 stars; one submission).

Conditions:
Charcot-Marie-Tooth disease type 4. Also called: Charcot-Marie-Tooth, Type 4; Charcot-Marie-Tooth disease, type IV. Identifiers: Orphanet 64749, MedGen C4082197, MONDO:0018995.

Allele frequency attached by ClinVar (database versions not stated): gnomAD exomes below 0.00001 and 0.00001.
gnomAD v4.1: 5 of 1,614,044 alleles (0.00031%); highest among the groups gnomAD compares: Admixed American, 0.0017%; no homozygotes.

Submission:

Labcorp Genetics (formerly Invitae), Labcorp
Classification: Uncertain significance for Charcot-Marie-Tooth disease type 4. Last evaluated: 2022-02-05. Review status: criteria provided, single submitter. Criteria: Invitae Variant Classification Sherloc (09022015). Collection method: clinical testing. Allele origin: germline.
Comment: This sequence change replaces aspartic acid, which is acidic and polar, with glycine, which is neutral and non-polar, at codon 267 of the NDRG1 protein (p.Asp267Gly). This variant is present in population databases (no rsID available, gnomAD 0.0009%). This variant has not been reported in the literature in individuals affected with NDRG1-related conditions. ClinVar contains an entry for this variant (Variation ID: 543335). Algorithms developed to predict the effect of missense changes on protein structure and function are either unavailable or do not agree on the potential impact of this missense change (SIFT: "Tolerated"; PolyPhen-2: "Possibly Damaging"; Align-GVGD: "Class C0"). In summary, the available evidence is currently insufficient to determine the role of this variant in disease. Therefore, it has been classified as a Variant of Uncertain Significance.

NM_006096.4(NDRG1):c.800A>G (p.Asp267Gly)

Genes: NDRG1 (N-myc downstream regulated 1; minus strand), LOC126860531 (CDK7 strongly-dependent group 2 enhancer GRCh37_chr8:134259869-134261068; plus strand). Cytogenetic location: 8q24.22.
Variant type: single nucleotide variant.
Coding change: c.800A>G on transcript NM_006096.4 (MANE Select); coding-DNA position 800, A replaced by G.
Protein change: p.Asp267Gly; replaces aspartic acid 267 with glycine.
Molecular consequence: missense variant.
Genome position (GRCh38, 1-based): chr8:133,247,882, T>C on the plus strand (A>G on the coding strand, the complement: NDRG1 is on the minus strand). VCF-style: chr8-133247882-T-C. GRCh37 (hg19) VCF-style: chr8-134260125-T-C.
Other names: c.800A>G, p.Asp267Gly (NM_001135242.2, NM_001374845.1, NM_001374846.1); c.602A>G, p.Asp201Gly (NM_001258432.2, NM_001374847.1); c.557A>G, p.Asp186Gly (NM_001258433.2); c.851A>G, p.Asp284Gly (NM_001374844.1); short protein forms D267G, D186G, D201G, D284G.
Identifiers: ClinVar variation 543335 (VCV000543335.6), dbSNP rs1287073036, ClinGen allele CA372255036.